The following is an entry in ClinVar:

NM_001098511.3(KIF2A):c.1476C>G (p.Ile492Met)

Gene: KIF2A (kinesin family member 2A; plus strand). Cytogenetic location: 5q12.1.
Variant type: single nucleotide variant.
Coding change: c.1476C>G on transcript NM_001098511.3 (MANE Select); coding-DNA position 1476, C replaced by G.
Protein change: p.Ile492Met; replaces isoleucine 492 with methionine.
Molecular consequence: missense variant.
Genome position (GRCh38, 1-based): chr5:62,365,251, C>G. VCF-style: chr5-62365251-C-G. GRCh37 (hg19) VCF-style: chr5-61661078-C-G.
Other names: c.1395C>G, p.Ile465Met (NM_001243952.2); c.1419C>G, p.Ile473Met (NM_001243953.2); c.1476C>G, p.Ile492Met (NM_004520.5); short protein forms I473M, I492M, I465M.
Identifiers: ClinVar variation 1373298 (VCV001373298.6), dbSNP rs766072398, ClinGen allele CA359951702.

ClinVar aggregate classification (germline): Uncertain significance (1 of 4 stars; one submission).

Submission:

Labcorp Genetics (formerly Invitae), Labcorp
Classification: Uncertain significance. Last evaluated: 2023-08-30. Review status: criteria provided, single submitter. Criteria: Invitae Variant Classification Sherloc (09022015). Collection method: clinical testing. Allele origin: germline.
Comment: In summary, the available evidence is currently insufficient to determine the role of this variant in disease. Therefore, it has been classified as a Variant of Uncertain Significance. An algorithm developed to predict the effect of missense changes on protein structure and function (PolyPhen-2) suggests that this variant is likely to be disruptive. ClinVar contains an entry for this variant (Variation ID: 1373298). This variant has not been reported in the literature in individuals affected with KIF2A-related conditions. This variant is not present in population databases (gnomAD no frequency). This sequence change replaces isoleucine, which is neutral and non-polar, with methionine, which is neutral and non-polar, at codon 492 of the KIF2A protein (p.Ile492Met).